The following is an entry in ClinVar:

NM_001352514.2(HLCS):c.2361_2362insT (p.Val788fs)

Gene: HLCS (holocarboxylase synthetase; minus strand). Cytogenetic location: 21q22.13.
Variant type: Insertion.
Coding change: c.2361_2362insT on transcript NM_001352514.2 (MANE Select); coding-DNA positions 2361 to 2362, T inserted.
Protein change: p.Val788fs; shifts the reading frame from valine 788.
Molecular consequence: frameshift variant. On other transcripts: non-coding transcript variant (2).
Genome position: GRCh38 VCF-style: chr21-36756630-C-CA. GRCh37 (hg19) VCF-style: chr21-38128931-C-CA.
Other names: c.1920_1921insT, p.Val641fs (NM_000411.8, NM_001242784.3, NM_001242785.2 and 4 more transcripts); short protein forms V641fs, V788fs.
Identifiers: ClinVar variation 1413934 (VCV001413934.6), dbSNP rs760372711, ClinGen allele CA10020283.

ClinVar aggregate classification (germline): Pathogenic (1 of 4 stars; one submission).

Conditions:
Holocarboxylase synthetase deficiency. Also called: MULTIPLE CARBOXYLASE DEFICIENCY, EARLY ONSET. Identifiers: Orphanet 79242, MedGen C0268581, MONDO:0009666, OMIM 253270.

Allele frequency attached by ClinVar (database versions not stated): gnomAD exomes below 0.00001; TOPMed below 0.00001; ExAC 0.00001; gnomAD 0.00001.

Submission:

Labcorp Genetics (formerly Invitae), Labcorp
Classification: Pathogenic for Holocarboxylase synthetase deficiency. Last evaluated: 2023-02-16. Review status: criteria provided, single submitter. Criteria: Invitae Variant Classification Sherloc (09022015). Collection method: clinical testing. Allele origin: germline.
Comment: For these reasons, this variant has been classified as Pathogenic. This variant disrupts a region of the HLCS protein in which other variant(s) (p.Arg665*) have been determined to be pathogenic (PMID: 10190325, 16134170, 27114915). This suggests that this is a clinically significant region of the protein, and that variants that disrupt it are likely to be disease-causing. ClinVar contains an entry for this variant (Variation ID: 1413934). This variant has not been reported in the literature in individuals affected with HLCS-related conditions. This variant is present in population databases (rs760372711, gnomAD 0.003%). This sequence change results in a frameshift in the HLCS gene (p.Val641Cysfs*108). While this is not anticipated to result in nonsense mediated decay, it is expected to disrupt the last 86 amino acid(s) of the HLCS protein and extend the protein by 21 additional amino acid residues.

Literature cited by the submitters: PubMed 10190325; PubMed 16134170; PubMed 27114915.